The following is an entry in ClinVar:

ClinVar aggregate classification (germline): Uncertain significance (0 of 4 stars; one submission).

Conditions:
PLXNA1-related disorder. Also called: PLXNA1-related condition.

gnomAD v4.1: 4 of 1,602,056 alleles (0.00025%); highest among the groups gnomAD compares: Non-Finnish European, 0.00034%; no homozygotes.

Submission:

PreventionGenetics, part of Exact Sciences
Classification: Uncertain significance for PLXNA1-related condition. Last evaluated: 2024-01-05. Review status: no assertion criteria provided. Collection method: clinical testing. Allele origin: germline.
Comment: The PLXNA1 c.2609C>G variant is predicted to result in the amino acid substitution p.Ser870Cys. To our knowledge, this variant has not been reported in the literature. This variant is reported in 0.00091% of alleles in individuals of European (Non-Finnish) descent in gnomAD. At this time, the clinical significance of this variant is uncertain due to the absence of conclusive functional and genetic evidence.

NM_032242.4(PLXNA1):c.2609C>G (p.Ser870Cys)

Gene: PLXNA1 (plexin A1; plus strand). Cytogenetic location: 3q21.3.
Variant type: single nucleotide variant.
Coding change: c.2609C>G on transcript NM_032242.4 (MANE Select); coding-DNA position 2609, C replaced by G.
Protein change: p.Ser870Cys; replaces serine 870 with cysteine.
Molecular consequence: missense variant.
Genome position (GRCh38, 1-based): chr3:127,014,482, C>G. VCF-style: chr3-127014482-C-G. GRCh37 (hg19) VCF-style: chr3-126733325-C-G.
Other names: short protein forms S870C.
Identifiers: ClinVar variation 3355692 (VCV003355692.1).